The following is an entry in ClinVar:

NM_016734.3(PAX5):c.1120G>C (p.Ala374Pro)

Gene: PAX5 (paired box 5; minus strand). Cytogenetic location: 9p13.2.
Variant type: single nucleotide variant.
Coding change: c.1120G>C on transcript NM_016734.3 (MANE Select); coding-DNA position 1120, G replaced by C.
Protein change: p.Ala374Pro; replaces alanine 374 with proline.
Molecular consequence: missense variant. On other transcripts: synonymous variant (2), non-coding transcript variant (2).
Genome position (GRCh38, 1-based): chr9:36,840,616, C>G on the plus strand (G>C on the coding strand, the complement: PAX5 is on the minus strand). VCF-style: chr9-36840616-C-G. GRCh37 (hg19) VCF-style: chr9-36840613-C-G.
Other names: c.1018G>C, p.Ala340Pro (NM_001280547.2); c.1033G>C, p.Ala345Pro (NM_001280548.2); c.888G>C, p.Ala296= (NM_001280549.2); c.801G>C, p.Ala267= (NM_001280550.2); c.607G>C, p.Ala203Pro (NM_001280551.2); c.931G>C, p.Ala311Pro (NM_001280552.2); c.904G>C, p.Ala302Pro (NM_001280553.2); c.991G>C, p.Ala331Pro (NM_001280554.2); and 2 more; short protein forms A274P, A340P, A374P, A266P, A331P, A203P, A345P, A302P.
Identifiers: ClinVar variation 3885886 (VCV003885886.1).

ClinVar aggregate classification (germline): Uncertain significance (1 of 4 stars; one submission).

Conditions:
Inborn genetic diseases. Identifiers: MedGen C0950123, MeSH D030342.

Submission:

Ambry Genetics
Classification: Uncertain significance for Inborn genetic diseases. Last evaluated: 2024-12-12. Review status: criteria provided, single submitter. Criteria: Ambry Variant Classification Scheme 2023. Collection method: clinical testing. Allele origin: germline.
Comment: The p.A374P variant (also known as c.1120G>C), located in coding exon 10 of the PAX5 gene, results from a G to C substitution at nucleotide position 1120. The alanine at codon 374 is replaced by proline, an amino acid with highly similar properties. This amino acid position is conserved. In addition, the in silico prediction for this alteration is inconclusive. Based on the available evidence, the clinical significance of this variant remains unclear.